The following is an entry in ClinVar:

ClinVar aggregate classification (germline): Uncertain significance. Review status: criteria provided, multiple submitters, no conflicts (2 of 4 stars). 5 submissions from 5 submitters: Uncertain significance (5). Last evaluated 2026-02-12.

Conditions:
NPHP1-related disorder. Also called: NPHP1-related condition; NPHP1-related disorders.
Inborn genetic diseases. Identifiers: MedGen C0950123, MeSH D030342.
Nephronophthisis 1 (NPHP1). Also called: Nephronophthisis familial juvenile. Identifiers: Orphanet 655, Orphanet 93592, MedGen C1855681, MONDO:0009728, OMIM 256100.
Senior-Loken syndrome 1 (SLSN1). Also called: JUVENILE NEPHRONOPHTHISIS WITH LEBER AMAUROSIS. Identifiers: Orphanet 3156, MedGen C4551559, MONDO:0009962, OMIM 266900.
Joubert syndrome with renal defect. Also called: JOUBERT SYNDROME 4. Identifiers: Orphanet 220497, MedGen C1846790, MONDO:0012308, OMIM 609583.

Allele frequency attached by ClinVar (database versions not stated): ExAC 0.00002; gnomAD exomes 0.00002 and 0.00005; gnomAD 0.00003 and 0.00004; TOPMed 0.00003.
gnomAD v4.1: 75 of 1,613,806 alleles (0.0046%); highest among the groups gnomAD compares: Non-Finnish European, 0.0061%; no homozygotes.

Submissions (5):

PreventionGenetics, part of Exact Sciences
Classification: Uncertain significance for NPHP1-related condition. Last evaluated: 2026-02-12. Review status: criteria provided, single submitter. Criteria: ACMG Guidelines, 2015. Collection method: clinical testing. Allele origin: germline.
Comment: The NPHP1 c.308T>C variant is predicted to result in the amino acid substitution p.Ile103Thr. To our knowledge, this variant has not been reported in the literature. This variant is reported in 0.0035% of alleles in individuals of European (Non-Finnish) descent in gnomAD. At this time, the clinical significance of this variant is uncertain due to the absence of conclusive functional and genetic evidence.

Ambry Genetics
Classification: Uncertain significance for Inborn genetic diseases. Last evaluated: 2025-08-01. Review status: criteria provided, single submitter. Criteria: Ambry Variant Classification Scheme 2023. Collection method: clinical testing. Allele origin: germline.

Fulgent Genetics
Classification: Uncertain significance for Nephronophthisis 1; Senior-Loken syndrome 1; Joubert syndrome with renal defect. Last evaluated: 2024-04-27. Review status: criteria provided, single submitter. Criteria: ACMG Guidelines, 2015. Collection method: clinical testing. Allele origin: germline.

GeneDx
Classification: Uncertain significance. Last evaluated: 2019-04-03. Review status: criteria provided, single submitter. Criteria: GeneDx Variant Classification Process June 2021. Collection method: clinical testing. Allele origin: germline. Affected: yes.
Comment: Not observed at a significant frequency in large population cohorts (Lek et al., 2016); In silico analysis, which includes protein predictors and evolutionary conservation, supports a deleterious effect; Has not been previously published as pathogenic or benign to our knowledge

Eurofins Ntd Llc (ga)
Classification: Uncertain significance. Last evaluated: 2018-04-06. Review status: criteria provided, single submitter. Criteria: EGL ClinVar v180209 classification definitions. Collection method: clinical testing. Allele origin: germline. Observed: 1 variant allele, 1 heterozygote.

NM_001128178.3(NPHP1):c.308T>C (p.Ile103Thr)

Gene: NPHP1 (nephrocystin 1; minus strand). Cytogenetic location: 2q13.
Variant type: single nucleotide variant.
Coding change: c.308T>C on transcript NM_001128178.3 (MANE Select); coding-DNA position 308, T replaced by C.
Protein change: p.Ile103Thr; replaces isoleucine 103 with threonine.
Molecular consequence: missense variant. On other transcripts: intron variant (1).
Genome position (GRCh38, 1-based): chr2:110,178,444, A>G on the plus strand (T>C on the coding strand, the complement: NPHP1 is on the minus strand). VCF-style: chr2-110178444-A-G. GRCh37 (hg19) VCF-style: chr2-110936021-A-G.
Other names: c.308T>C, p.Ile103Thr (NM_000272.5, NM_001374256.1, NM_001374257.1 and 1 more transcripts); c.144-8446T>C (NM_001128179.3); c.308T>C (NM_000272.4); short protein forms I103T.
Identifiers: ClinVar variation 596843 (VCV000596843.10), dbSNP rs780578104, ClinGen allele CA1827448.